The following is an entry in ClinVar:

ClinVar aggregate classification (germline): Conflicting classifications of pathogenicity. Review status: criteria provided, conflicting classifications (1 of 4 stars). 5 submissions from 5 submitters: Uncertain significance (4); Likely benign (1). Last evaluated 2025-07-25.

Conditions:
Hereditary cancer-predisposing syndrome. Also called: Tumor predisposition; Hereditary Cancer Syndrome; Hereditary neoplastic syndrome; Neoplastic Syndromes, Hereditary. Identifiers: Orphanet 140162, MedGen C0027672, MeSH D009386, MONDO:0015356.
Lynch syndrome. Identifiers: Orphanet 144, MedGen C4552100, MONDO:0005835. Disease mechanism: loss of function.
Hereditary nonpolyposis colorectal neoplasms. Identifiers: MedGen C0009405, MeSH D003123.

Allele frequency attached by ClinVar (database versions not stated): gnomAD exomes below 0.00001 and 0.00001; TOPMed below 0.00001.
gnomAD v4.1: 5 of 1,607,238 alleles (0.00031%); highest among the groups gnomAD compares: Non-Finnish European, 0.00043%; no homozygotes.

Submissions (5):

Women's Health and Genetics/Laboratory Corporation of America, LabCorp
Classification: Uncertain significance. Last evaluated: 2025-07-25. Review status: criteria provided, single submitter. Criteria: LabCorp Variant Classification Summary - May 2015. Collection method: clinical testing. Allele origin: germline.
Comment: Variant summary: MSH6 c.3556G>C (p.Gly1186Arg) results in a non-conservative amino acid change in the encoded protein sequence. Algorithms developed to predict the effect of missense changes on protein structure and function all suggest that this variant is likely to be disruptive. Several computational tools predict a significant impact on normal splicing: Three predict the variant weakens a 5' donor site. One predict the variant no significant impact on splicing. One predict the variant abolishes a cryptic 5' donor site. However, these predictions have yet to be confirmed by functional studies. The variant allele was found at a frequency of 8e-06 in 251004 control chromosomes. The available data on variant occurrences in the general population are insufficient to allow any conclusion about variant significance. To our knowledge, no occurrence of c.3556G>C in individuals affected with Lynch Syndrome and no experimental evidence demonstrating its impact on protein function have been reported. ClinVar contains an entry for this variant (Variation ID: 410454). Based on the evidence outlined above, the variant was classified as uncertain significance.

Color Diagnostics, LLC DBA Color Health
Classification: Uncertain significance for Hereditary cancer-predisposing syndrome. Last evaluated: 2025-07-18. Review status: criteria provided, single submitter. Criteria: ACMG Guidelines, 2015. Collection method: clinical testing. Allele origin: germline.
Comment: This missense variant replaces glycine with arginine at codon 1186 of the MSH6 protein. Computational prediction suggests that this variant may have deleterious impact on protein structure and function. To our knowledge, functional studies have not been reported for this variant. This variant has not been reported in individuals affected with MSH6-related disorders in the literature. This variant has been identified in 2/251004 chromosomes in the general population by the Genome Aggregation Database (gnomAD). The available evidence is insufficient to determine the role of this variant in disease conclusively. Therefore, this variant is classified as a Variant of Uncertain Significance.

Ambry Genetics
Classification: Uncertain significance for Hereditary cancer-predisposing syndrome. Last evaluated: 2025-07-14. Review status: criteria provided, single submitter. Criteria: Ambry Variant Classification Scheme 2023. Collection method: clinical testing. Allele origin: germline.
Comment: The p.G1186R variant (also known as c.3556G>C), located in coding exon 6 of the MSH6 gene, results from a G to C substitution at nucleotide position 3556. The amino acid change results in glycine to arginine at codon 1186, an amino acid with dissimilar properties. This change occurs in the last base pair of coding exon 6 and may have some effect on normal mRNA splicing. This nucleotide position is highly conserved in available vertebrate species. In silico splice site analysis predicts that this alteration will not have any significant effect on splicing. RNA studies have demonstrated that this alteration does not result in abnormal splicing in the set of samples tested (Ambry internal data). This amino acid position is highly conserved in available vertebrate species. In addition, as a missense substitution this is predicted to be deleterious by in silico analysis. Based on the available evidence, the clinical significance of this variant remains unclear.

Labcorp Genetics (formerly Invitae), Labcorp
Classification: Likely benign for Hereditary nonpolyposis colorectal neoplasms. Last evaluated: 2024-11-04. Review status: criteria provided, single submitter. Criteria: Invitae Variant Classification Sherloc (09022015). Collection method: clinical testing. Allele origin: germline.

All of Us Research Program, National Institutes of Health
Classification: Uncertain significance for Lynch syndrome. Last evaluated: 2023-10-02. Review status: criteria provided, single submitter. Criteria: ACMG Guidelines, 2015. Collection method: clinical testing. Allele origin: germline. Inheritance: Autosomal dominant inheritance. Observed: 1 variant allele, 1 heterozygote.
Comment: This missense variant replaces glycine with arginine at codon 1186 of the MSH6 protein. Computational prediction suggests that this variant may have deleterious impact on protein structure and function (internally defined REVEL score threshold >= 0.7, PMID: 27666373). Splice site prediction tools are inconclusive regarding the impact of this variant on RNA splicing. To our knowledge, functional studies have not been reported for this variant. This variant has not been reported in individuals affected with hereditary cancer in the literature. This variant has been identified in 2/251004 chromosomes in the general population by the Genome Aggregation Database (gnomAD). The available evidence is insufficient to determine the role of this variant in disease conclusively. Therefore, this variant is classified as a Variant of Uncertain Significance.

This study involves interpretation of variants in research participants for the purpose of population health screening. Participant phenotype was not available at the time of variant classification. Additional details can be found in publication PMID: 35346344, PMCID: PMC8962531

NM_000179.3(MSH6):c.3556G>C (p.Gly1186Arg)

Gene: MSH6 (mutS homolog 6; plus strand). Cytogenetic location: 2p16.3.
Variant type: single nucleotide variant.
Coding change: c.3556G>C on transcript NM_000179.3 (MANE Select); coding-DNA position 3556, G replaced by C.
Protein change: p.Gly1186Arg; replaces glycine 1186 with arginine.
Molecular consequence: missense variant.
Genome position (GRCh38, 1-based): chr2:47,805,027, G>C. VCF-style: chr2-47805027-G-C. GRCh37 (hg19) VCF-style: chr2-48032166-G-C.
Other names: c.3166G>C, p.Gly1056Arg (NM_001281492.2); c.2650G>C, p.Gly884Arg (NM_001281493.2, NM_001281494.2); short protein forms G1186R, G1056R, G884R.
Identifiers: ClinVar variation 410454 (VCV000410454.20), dbSNP rs1060502909, ClinGen allele CA16610969.
Genomic context (GRCh38, chr2:47,805,027, plus strand): 5'-AGGCTCACACCAATTGATAGAGTGTTTACTAGACTTGGTGCCTCAGACAGAATAATGTCA[G>C]GTGAGTTTTTTGTTTCCCACTTAAGTTCTCATTCAGTCATTTAGATGTGATAAAAGATAT-3'
Protein context (NP_000170.1, residues 1176-1196): RLGASDRIMS[Gly1186Arg]ESTFFVELSE